The following is an entry in ClinVar:

ClinVar aggregate classification (germline): Uncertain significance (1 of 4 stars; one submission).

Submission:

GeneDx
Classification: Uncertain significance. Last evaluated: 2021-01-12. Review status: criteria provided, single submitter. Criteria: GeneDx Variant Classification Process June 2021. Collection method: clinical testing. Allele origin: germline. Affected: yes.
Comment: Not observed in large population cohorts (Lek et al., 2016); In silico analysis supports that this missense variant has a deleterious effect on protein structure/function; Has not been previously published as pathogenic or benign to our knowledge

NM_001205293.3(CACNA1E):c.5178T>G (p.Phe1726Leu)

Gene: CACNA1E (calcium voltage-gated channel subunit alpha1 E; plus strand). Cytogenetic location: 1q25.3.
Variant type: single nucleotide variant.
Coding change: c.5178T>G on transcript NM_001205293.3 (MANE Select); coding-DNA position 5178, T replaced by G.
Protein change: p.Phe1726Leu; replaces phenylalanine 1726 with leucine.
Molecular consequence: missense variant.
Genome position (GRCh38, 1-based): chr1:181,776,139, T>G. VCF-style: chr1-181776139-T-G. GRCh37 (hg19) VCF-style: chr1-181745275-T-G.
Other names: c.5178T>G, p.Phe1726Leu (NM_000721.4); c.5121T>G, p.Phe1707Leu (NM_001205294.2); short protein forms F1707L, F1726L.
Identifiers: ClinVar variation 1313902 (VCV001313902.2), dbSNP rs2102795964, ClinGen allele CA343629035.